The following is an entry in ClinVar:

NM_000439.5(PCSK1):c.*7T>G

Genes: CAST (calpastatin; plus strand), PCSK1 (proprotein convertase subtilisin/kexin type 1; minus strand), LOC101929710 (uncharacterized LOC101929710; plus strand). Cytogenetic location: 5q15.
Variant type: single nucleotide variant.
Coding change: c.*7T>G on transcript NM_000439.5 (MANE Select); 7 bases downstream of the stop codon, T replaced by G.
Molecular consequence: 3 prime UTR variant. On other transcripts: intron variant (11).
Genome position (GRCh38, 1-based): chr5:96,392,994, A>C on the plus strand (T>G on the coding strand, the complement: PCSK1 is on the minus strand). VCF-style: chr5-96392994-A-C. GRCh37 (hg19) VCF-style: chr5-95728698-A-C.
Other names: c.*7T>G (NM_001177875.2); c.-175+13342A>C (NM_001423254.1, NM_001423259.1, NM_001423255.1 and 6 more transcripts); c.-103+13342A>C (NM_001423253.1); c.-40+13342A>C (NM_001423258.1).
Identifiers: ClinVar variation 3350346 (VCV003350346.1).

ClinVar aggregate classification (germline): Likely benign (0 of 4 stars; one submission).

Conditions:
PCSK1-related disorder. Also called: PCSK1-related condition.

gnomAD v4.1: 7 of 1,613,994 alleles (0.00043%); highest among the groups gnomAD compares: African/African-American, 0.008%; no homozygotes.

Submission:

PreventionGenetics, part of Exact Sciences
Classification: Likely benign for PCSK1-related condition. Last evaluated: 2019-05-21. Review status: no assertion criteria provided. Collection method: clinical testing. Allele origin: germline.
Comment: This variant is classified as likely benign based on ACMG/AMP sequence variant interpretation guidelines (Richards et al. 2015 PMID: 25741868, with internal and published modifications).